The following is an entry in ClinVar:

NM_005026.5(PIK3CD):c.1871A>C (p.Tyr624Ser)

Gene: PIK3CD (phosphatidylinositol-4,5-bisphosphate 3-kinase catalytic subunit delta; plus strand). Cytogenetic location: 1p36.22.
Variant type: single nucleotide variant.
Coding change: c.1871A>C on transcript NM_005026.5 (MANE Select); coding-DNA position 1871, A replaced by C.
Protein change: p.Tyr624Ser; replaces tyrosine 624 with serine.
Molecular consequence: missense variant.
Genome position (GRCh38, 1-based): chr1:9,721,503, A>C. VCF-style: chr1-9721503-A-C. GRCh37 (hg19) VCF-style: chr1-9781561-A-C.
Other names: c.1784A>C, p.Tyr595Ser (NM_001350235.1); c.1871A>C (NM_005026.4); c.1868A>C, p.Tyr623Ser (NM_001350234.2); short protein forms Y595S, Y623S, Y624S.
Identifiers: ClinVar variation 1357676 (VCV001357676.10), dbSNP rs771265754, ClinGen allele CA577355.

ClinVar aggregate classification (germline): Uncertain significance. Review status: criteria provided, multiple submitters, no conflicts (2 of 4 stars). 2 submissions from 2 submitters: Uncertain significance (2). Last evaluated 2023-02-17.

Conditions:
Immunodeficiency 14 (IMD14A). Also called: ACTIVATED PI3K-DELTA SYNDROME 1; Activated PI3K Delta Syndrome Type 1 (APDS1); p110-DELTA-ACTIVATING MUTATION CAUSING SENESCENT T CELLS, LYMPHADENOPATHY, AND IMMUNODEFICIENCY; IMMUNODEFICIENCY 14A WITH LYMPHOPROLIFERATION, AUTOSOMAL DOMINANT. Identifiers: Orphanet 397596, Orphanet 693661, MedGen C5907821, MONDO:0014222, OMIM 615513.

Allele frequency attached by ClinVar (database versions not stated): gnomAD exomes below 0.00001 and 0.00001; TOPMed below 0.00001; ExAC 0.00001.
gnomAD v4.1: 3 of 1,613,720 alleles (0.00019%); no homozygotes.

Submissions (2):

Genetic Services Laboratory, University of Chicago
Classification: Uncertain significance. Last evaluated: 2023-02-17. Review status: criteria provided, single submitter. Criteria: ACMG Guidelines, 2015. Collection method: clinical testing. Allele origin: germline. Affected: no.
Comment: DNA sequence analysis of the PIK3CD gene demonstrated a sequence change, c.1871A>C, in exon 15 that results in an amino acid change, p.Tyr624Ser. This sequence change does not appear to have been previously described in individuals with PIK3CD-related disorders. This sequence change has been described in the gnomAD database with a global frequency of 0.0008%(dbSNP rs771265754). The p.Tyr624Ser change affects a highly conserved amino acid residue located in a domain of the PIK3CD protein that is known to be functional. The p.Tyr624Ser substitution appears to be deleterious using several in-silico pathogenicity prediction tools (SIFT, PolyPhen2, Align GVGD, REVEL). Due to insufficient evidence and the lack of functional studies, the clinical significance of the p.Tyr624Ser change remains unknown at this time.

Labcorp Genetics (formerly Invitae), Labcorp
Classification: Uncertain significance for Activated PI3K-delta syndrome. Last evaluated: 2022-01-11. Review status: criteria provided, single submitter. Criteria: Invitae Variant Classification Sherloc (09022015). Collection method: clinical testing. Allele origin: germline.
Comment: Algorithms developed to predict the effect of missense changes on protein structure and function are either unavailable or do not agree on the potential impact of this missense change (SIFT: "Deleterious"; PolyPhen-2: "Probably Damaging"; Align-GVGD: "Class C15"). This sequence change replaces tyrosine, which is neutral and polar, with serine, which is neutral and polar, at codon 624 of the PIK3CD protein (p.Tyr624Ser). This variant is present in population databases (rs771265754, gnomAD 0.02%). This variant has not been reported in the literature in individuals affected with PIK3CD-related conditions. In summary, the available evidence is currently insufficient to determine the role of this variant in disease. Therefore, it has been classified as a Variant of Uncertain Significance.